The following is an entry in ClinVar:

NM_012470.4(TNPO3):c.1860-20G>A

Gene: TNPO3 (transportin 3; minus strand). Cytogenetic location: 7q32.1.
Variant type: single nucleotide variant.
Coding change: c.1860-20G>A on transcript NM_012470.4 (MANE Select); 20 bases into the intron before coding-DNA position 1860, G replaced by A.
Molecular consequence: intron variant.
Genome position (GRCh38, 1-based): chr7:128,980,051, C>T on the plus strand (G>A on the coding strand, the complement: TNPO3 is on the minus strand). VCF-style: chr7-128980051-C-T. GRCh37 (hg19) VCF-style: chr7-128620105-C-T.
Other names: c.1716-20G>A (NM_001382221.1); c.1713-20G>A (NM_001382222.1); c.1752-20G>A (NM_001382219.1); c.1668-20G>A (NM_001382223.1, NM_001191028.3); c.1860-20G>A (NM_001382220.1, NM_001382218.1); c.1962-20G>A (NM_001382216.1); c.1941-20G>A (NM_001382217.1).
Identifiers: ClinVar variation 2888375 (VCV002888375.3), dbSNP rs760085266, ClinGen allele CA4478032.
Genomic context (GRCh38, chr7:128,980,051, plus strand): 5'-ACGGATGAGTCTGTCCATTTTCCACAATGGGATTGGTATGCCTGGGAAAAGACAACAGCC[C>T]AAAATAGTGAACAAAGACCAATTTCACTGAGGACCCAGAGCCCTGATCCCTGCTTGCTTA-3'

ClinVar aggregate classification (germline): Uncertain significance (1 of 4 stars; one submission).

Conditions:
Autosomal dominant limb-girdle muscular dystrophy type 1F (LGMDD2). Also called: MUSCULAR DYSTROPHY, LIMB-GIRDLE, AUTOSOMAL DOMINANT 2; Limb-girdle muscular dystrophy, type 1F. Identifiers: Orphanet 55595, MedGen C1842062, MONDO:0012034, OMIM 608423.

Allele frequency attached by ClinVar (database versions not stated): TOPMed below 0.00001; ExAC 0.00001; gnomAD 0.00001.
gnomAD v4.1: 4 of 1,612,906 alleles (0.00025%); highest among the groups gnomAD compares: Non-Finnish European, 0.00025%; no homozygotes.

Submission:

Labcorp Genetics (formerly Invitae), Labcorp
Classification: Uncertain significance for Autosomal dominant limb-girdle muscular dystrophy type 1F. Last evaluated: 2024-06-11. Review status: criteria provided, single submitter. Criteria: Invitae Variant Classification Sherloc (09022015). Collection method: clinical testing. Allele origin: germline.
Comment: This sequence change falls in intron 14 of the TNPO3 gene. It does not directly change the encoded amino acid sequence of the TNPO3 protein. This variant is present in population databases (rs760085266, gnomAD 0.002%). This variant has not been reported in the literature in individuals affected with TNPO3-related conditions. Algorithms developed to predict the effect of sequence changes on RNA splicing suggest that this variant may disrupt the consensus splice site. In summary, the available evidence is currently insufficient to determine the role of this variant in disease. Therefore, it has been classified as a Variant of Uncertain Significance.